The following is an entry in ClinVar:

NM_024685.4(BBS10):c.147G>T (p.Arg49=)

Gene: BBS10 (Bardet-Biedl syndrome 10; minus strand). Cytogenetic location: 12q21.2.
Variant type: single nucleotide variant.
Coding change: c.147G>T on transcript NM_024685.4 (MANE Select); coding-DNA position 147, G replaced by T.
Protein change: p.Arg49=; no amino-acid change (arginine 49 retained).
Molecular consequence: synonymous variant.
Genome position (GRCh38, 1-based): chr12:76,348,212, C>A on the plus strand (G>T on the coding strand, the complement: BBS10 is on the minus strand). VCF-style: chr12-76348212-C-A. GRCh37 (hg19) VCF-style: chr12-76741992-C-A.
Other names: c.147G>T (NM_024685.3).
Identifiers: ClinVar variation 2090888 (VCV002090888.5), dbSNP rs1592493118, ClinGen allele CA480794217.

ClinVar aggregate classification (germline): Likely benign. Review status: criteria provided, single submitter (1 of 4 stars). 2 submissions from 2 submitters: Likely benign (1). 1 of the submissions does not count toward it. Last evaluated 2023-07-03.

Conditions:
BBS10-related disorder. Also called: BBS10-related condition.
Bardet-Biedl syndrome (BBS). Identifiers: Orphanet 110, MedGen C0752166, MONDO:0015229.

Submissions (2):

Labcorp Genetics (formerly Invitae), Labcorp
Classification: Likely benign for Bardet-Biedl syndrome. Last evaluated: 2023-07-03. Review status: criteria provided, single submitter. Criteria: Invitae Variant Classification Sherloc (09022015). Collection method: clinical testing. Allele origin: germline.

PreventionGenetics, part of Exact Sciences
Classification: Likely benign for BBS10-related condition. Last evaluated: 2024-07-15. Review status: no assertion criteria provided. Collection method: clinical testing. Allele origin: germline. Not counted in ClinVar's aggregate classification.
Comment: This variant is classified as likely benign based on ACMG/AMP sequence variant interpretation guidelines (Richards et al. 2015 PMID: 25741868, with internal and published modifications).